The following is an entry in ClinVar:

ClinVar aggregate classification (germline): Uncertain significance (1 of 4 stars; one submission).

Conditions:
Catecholaminergic polymorphic ventricular tachycardia 1. Also called: RYR2-Related Catecholaminergic Polymorphic Ventricular Tachycardia; VENTRICULAR TACHYCARDIA, STRESS-INDUCED POLYMORPHIC 1; VENTRICULAR TACHYCARDIA, CATECHOLAMINERGIC POLYMORPHIC, 1, WITH OR WITHOUT ATRIAL DYSFUNCTION AND/OR DILATED CARDIOMYOPATHY. Identifiers: Orphanet 3286, MedGen C1631597, MONDO:0011484, OMIM 604772.

Submission:

Labcorp Genetics (formerly Invitae), Labcorp
Classification: Uncertain significance for Catecholaminergic polymorphic ventricular tachycardia 1. Last evaluated: 2019-10-21. Review status: criteria provided, single submitter. Criteria: Invitae Variant Classification Sherloc (09022015). Collection method: clinical testing. Allele origin: germline.
Comment: In summary, the available evidence is currently insufficient to determine the role of this variant in disease. Therefore, it has been classified as a Variant of Uncertain Significance. Algorithms developed to predict the effect of missense changes on protein structure and function are either unavailable or do not agree on the potential impact of this missense change (SIFT: "Deleterious"; PolyPhen-2: "Probably Damaging"; Align-GVGD: "Class C0"). This variant has not been reported in the literature in individuals with RYR2-related disease. This variant is not present in population databases (ExAC no frequency). This sequence change replaces leucine with valine at codon 2893 of the RYR2 protein (p.Leu2893Val). The leucine residue is highly conserved and there is a small physicochemical difference between leucine and valine.

NM_001035.3(RYR2):c.8677C>G (p.Leu2893Val)

Gene: RYR2 (ryanodine receptor 2; plus strand). Cytogenetic location: 1q43.
Variant type: single nucleotide variant.
Coding change: c.8677C>G on transcript NM_001035.3 (MANE Select); coding-DNA position 8677, C replaced by G.
Protein change: p.Leu2893Val; replaces leucine 2893 with valine.
Molecular consequence: missense variant.
Genome position (GRCh38, 1-based): chr1:237,674,182, C>G. VCF-style: chr1-237674182-C-G. GRCh37 (hg19) VCF-style: chr1-237837482-C-G.
Other names: c.8677C>G, p.Leu2893Val (LRG_402t1); short protein forms L2893V.
Identifiers: ClinVar variation 651192 (VCV000651192.12), dbSNP rs1573463670, ClinGen allele CA345403094.